The following is an entry in ClinVar:

ClinVar aggregate classification (germline): Likely benign. Review status: reviewed by expert panel (3 of 4 stars). 6 submissions from 6 submitters: Likely benign (1). 5 of the submissions do not count toward it. Last evaluated 2017-06-29.

Conditions:
Hereditary cancer-predisposing syndrome. Also called: Hereditary Cancer Syndrome; Neoplastic Syndromes, Hereditary; Tumor predisposition; Hereditary neoplastic syndrome. Identifiers: Orphanet 140162, MedGen C0027672, MeSH D009386, MONDO:0015356.
Breast-ovarian cancer, familial, susceptibility to, 2 (BROVCA2). Also called: BRCA2 Hereditary Breast and Ovarian Cancer. Identifiers: Orphanet 145, MedGen C2675520, MONDO:0012933, OMIM 612555. Disease mechanism: loss of function.
Hereditary breast ovarian cancer syndrome. Also called: Hereditary breast and/or ovarian cancer syndrome; BRCA1- and BRCA2-Associated Hereditary Breast and Ovarian Cancer; Hereditary breast and ovarian cancer syndrome (HBOC); Hereditary breast and ovarian cancer; Hereditary breast and ovarian cancer syndrome; Breast and ovarian cancer. Identifiers: Orphanet 145, MedGen C0677776, MeSH D061325, MONDO:0003582. Disease mechanism: loss of function.
Malignant tumor of breast. Also called: Malignant breast neoplasm; Cancer breast. Identifiers: MedGen C0006142, MONDO:0007254. Disease mechanism: loss of function.

Allele frequency attached by ClinVar (database versions not stated): gnomAD exomes below 0.00001.

Submissions (6):

Evidence-based Network for the Interpretation of Germline Mutant Alleles (ENIGMA)
Classification: Likely benign for Breast-ovarian cancer, familial, susceptibility to, 2. Last evaluated: 2017-06-29. Review status: reviewed by expert panel. Criteria: ENIGMA BRCA1/2 Classification Criteria (2017-06-29). Collection method: curation. Allele origin: germline.
Comment: Synonymous substitution variant, with low bioinformatic likelihood to result in a splicing aberration (Splicing prior probability 0.02).

Labcorp Genetics (formerly Invitae), Labcorp
Classification: Likely benign for Hereditary breast ovarian cancer syndrome. Last evaluated: 2025-10-09. Review status: criteria provided, single submitter. Criteria: Invitae Variant Classification Sherloc (09022015). Collection method: clinical testing. Allele origin: germline. Not counted in ClinVar's aggregate classification.

Women's Health and Genetics/Laboratory Corporation of America, LabCorp
Classification: Likely benign. Last evaluated: 2023-01-22. Review status: criteria provided, single submitter. Criteria: LabCorp Variant Classification Summary - May 2015. Collection method: clinical testing. Allele origin: germline. Not counted in ClinVar's aggregate classification.

GeneDx
Classification: Likely benign. Last evaluated: 2017-03-09. Review status: criteria provided, single submitter. Criteria: GeneDx Variant Classification (06012015). Collection method: clinical testing. Allele origin: germline. Affected: yes. Not counted in ClinVar's aggregate classification.
Comment: This variant is considered likely benign or benign based on one or more of the following criteria: it is a conservative change, it occurs at a poorly conserved position in the protein, it is predicted to be benign by multiple in silico algorithms, and/or has population frequency not consistent with disease.

Ambry Genetics
Classification: Likely benign for Hereditary cancer-predisposing syndrome. Last evaluated: 2015-03-03. Review status: criteria provided, single submitter. Criteria: Ambry Variant Classification Scheme 2023. Collection method: clinical testing. Allele origin: germline. Not counted in ClinVar's aggregate classification.

Department of Pathology and Laboratory Medicine, Sinai Health System
Classification: Likely benign for Malignant tumor of breast. Review status: no assertion criteria provided. Collection method: clinical testing. Allele origin: unknown. Affected: yes. Observed: 1 variant allele. Study: The Canadian Open Genetics Repository (COGR). Not counted in ClinVar's aggregate classification.
Comment: The BRCA2 p.Thr3033Thr was not identified in the literature, nor was it identified in dbSNP, the 1000 Genomes Project, the NHLBI Exome Sequencing Project, the Exome Aggregation Consortium, GeneInsight COGR, Clinvitae, COSMIC, MutDB, BRCA Share, BIC, ARUP Laboratories BRCA Mutations Database, the Fanconi Anemia Mutation Database (LOVD) or LOVD-IARC. The variant was only found in ClinVar database (classified as likely benign by Ambry Genetics). The p.Thr3033Thr variant is not expected to have clinical significance because it does not result in a change of amino acid and is not located in a known consensus splice site. In addition, in silico or computational prediction software programs (SpliceSiteFinder, MaxEntScan, NNSPLICE, GeneSplicer, HumanSpliceFinder) do not predict a difference in splicing. In summary, based on the above information, the clinical significance of this variant cannot be determined with certainty at this time although we would lean towards a more benign role for this variant. This variant is classified as likely benign.

NM_000059.4(BRCA2):c.9099T>C (p.Thr3033=)

Gene: BRCA2 (BRCA2 DNA repair associated; plus strand). Cytogenetic location: 13q13.1.
Variant type: single nucleotide variant.
Coding change: c.9099T>C on transcript NM_000059.4 (MANE Select); coding-DNA position 9099, T replaced by C.
Protein change: p.Thr3033=; no amino-acid change (threonine 3033 retained).
Molecular consequence: synonymous variant.
Genome position (GRCh38, 1-based): chr13:32,379,895, T>C. VCF-style: chr13-32379895-T-C. GRCh37 (hg19) VCF-style: chr13-32954032-T-C.
Identifiers: ClinVar variation 230561 (VCV000230561.26), dbSNP rs876658635, ClinGen allele CA10579810.